The following is an entry in ClinVar:

ClinVar aggregate classification (germline): Uncertain significance (1 of 4 stars; one submission).

Conditions:
Hypotonia, infantile, with psychomotor retardation and characteristic facies 3 (IHPRF3). Also called: TBCK-Related Neurodevelopmental Disorder. Identifiers: Orphanet 488632, MedGen C5567480, MONDO:0014823, OMIM 616900.

Submission:

MGZ Medical Genetics Center
Classification: Uncertain significance for Hypotonia, infantile, with psychomotor retardation and characteristic facies 3. Last evaluated: 2021-12-28. Review status: criteria provided, single submitter. Criteria: ACMG Guidelines, 2015. Collection method: clinical testing. Allele origin: germline. Affected: yes. Observed: 1 variant allele.
Comment: ACMG criteria applied: PM2_SUP, PP3

NM_001163435.3(TBCK):c.134T>G (p.Leu45Arg)

Gene: TBCK (TBC1 domain containing kinase; minus strand). Cytogenetic location: 4q24.
Variant type: single nucleotide variant.
Coding change: c.134T>G on transcript NM_001163435.3 (MANE Select); coding-DNA position 134, T replaced by G.
Protein change: p.Leu45Arg; replaces leucine 45 with arginine.
Molecular consequence: missense variant. On other transcripts: 5 prime UTR variant (1).
Genome position (GRCh38, 1-based): chr4:106,308,827, A>C on the plus strand (T>G on the coding strand, the complement: TBCK is on the minus strand). VCF-style: chr4-106308827-A-C. GRCh37 (hg19) VCF-style: chr4-107229984-A-C.
Other names: c.134T>G, p.Leu45Arg (NM_001163436.4, NM_001163437.3, NM_033115.5); c.-484T>G (NM_001290768.2); short protein forms L45R.
Identifiers: ClinVar variation 1709636 (VCV001709636.2), dbSNP rs2479213964, ClinGen allele CA357974008.